The following is an entry in ClinVar:

NM_001018113.3(FANCB):c.2093G>C (p.Gly698Ala)

Gene: FANCB (FA complementation group B; minus strand). Cytogenetic location: Xp22.2.
Variant type: single nucleotide variant.
Coding change: c.2093G>C on transcript NM_001018113.3 (MANE Select); coding-DNA position 2093, G replaced by C.
Protein change: p.Gly698Ala; replaces glycine 698 with alanine.
Molecular consequence: missense variant.
Genome position (GRCh38, 1-based): chrX:14,844,575, C>G on the plus strand (G>C on the coding strand, the complement: FANCB is on the minus strand). VCF-style: chrX-14844575-C-G. GRCh37 (hg19) VCF-style: chrX-14862697-C-G.
Other names: c.2093G>C, p.Gly698Ala (NM_001324162.2, NM_001410764.1, NM_152633.4); short protein forms G698A.
Identifiers: ClinVar variation 2844393 (VCV002844393.3), dbSNP rs773176825, ClinGen allele CA412438430.

ClinVar aggregate classification (germline): Uncertain significance (1 of 4 stars; one submission).

Conditions:
Fanconi anemia (FA). Also called: Fanconi's anemia. Identifiers: Orphanet 84, MedGen C0015625, MeSH D005199, MONDO:0019391.

Submission:

Labcorp Genetics (formerly Invitae), Labcorp
Classification: Uncertain significance for Fanconi anemia. Last evaluated: 2023-03-09. Review status: criteria provided, single submitter. Criteria: Invitae Variant Classification Sherloc (09022015). Collection method: clinical testing. Allele origin: germline.
Comment: In summary, the available evidence is currently insufficient to determine the role of this variant in disease. Therefore, it has been classified as a Variant of Uncertain Significance. Advanced modeling of protein sequence and biophysical properties (such as structural, functional, and spatial information, amino acid conservation, physicochemical variation, residue mobility, and thermodynamic stability) has been performed at Invitae for this missense variant, however the output from this modeling did not meet the statistical confidence thresholds required to predict the impact of this variant on FANCB protein function. This variant has not been reported in the literature in individuals affected with FANCB-related conditions. This variant is not present in population databases (gnomAD no frequency). This sequence change replaces glycine, which is neutral and non-polar, with alanine, which is neutral and non-polar, at codon 698 of the FANCB protein (p.Gly698Ala).